The following is an entry in ClinVar:

ClinVar aggregate classification (germline): Uncertain significance (1 of 4 stars; one submission).

Conditions:
Epilepsy, progressive myoclonic, 1B. Also called: PME. Identifiers: Orphanet 308, MedGen C2676254, MONDO:0012904, OMIM 612437.

Allele frequency attached by ClinVar (database versions not stated): gnomAD exomes 0.00001; TOPMed 0.00001.
gnomAD v4.1: 19 of 1,614,050 alleles (0.0012%); highest among the groups gnomAD compares: Non-Finnish European, 0.001%; no homozygotes.

Submission:

Labcorp Genetics (formerly Invitae), Labcorp
Classification: Uncertain significance for Epilepsy, progressive myoclonic, 1B. Last evaluated: 2019-10-28. Review status: criteria provided, single submitter. Criteria: Invitae Variant Classification Sherloc (09022015). Collection method: clinical testing. Allele origin: germline.
Comment: In summary, the available evidence is currently insufficient to determine the role of this variant in disease. Therefore, it has been classified as a Variant of Uncertain Significance. This sequence change replaces arginine with glutamine at codon 750 of the PRICKLE1 protein (p.Arg750Gln). The arginine residue is moderately conserved and there is a small physicochemical difference between arginine and glutamine. This variant is not present in population databases (ExAC no frequency). This variant has not been reported in the literature in individuals with PRICKLE1-related conditions. Algorithms developed to predict the effect of missense changes on protein structure and function (SIFT, PolyPhen-2, Align-GVGD) all suggest that this variant is likely to be tolerated, but these predictions have not been confirmed by published functional studies and their clinical significance is uncertain.

NM_153026.3(PRICKLE1):c.2249G>A (p.Arg750Gln)

Gene: PRICKLE1 (prickle planar cell polarity protein 1; minus strand). Cytogenetic location: 12q12.
Variant type: single nucleotide variant.
Coding change: c.2249G>A on transcript NM_153026.3 (MANE Select); coding-DNA position 2249, G replaced by A.
Protein change: p.Arg750Gln; replaces arginine 750 with glutamine.
Molecular consequence: missense variant.
Genome position (GRCh38, 1-based): chr12:42,460,056, C>T on the plus strand (G>A on the coding strand, the complement: PRICKLE1 is on the minus strand). VCF-style: chr12-42460056-C-T. GRCh37 (hg19) VCF-style: chr12-42853858-C-T.
Other names: c.2249G>A, p.Arg750Gln (NM_001144881.2, NM_001144882.2, NM_001144883.2); short protein forms R750Q.
Identifiers: ClinVar variation 969020 (VCV000969020.9), dbSNP rs1323129125, ClinGen allele CA384439881.